The following is an entry in ClinVar:

ClinVar aggregate classification (germline): Uncertain significance (1 of 4 stars; one submission).

Submission:

Labcorp Genetics (formerly Invitae), Labcorp
Classification: Uncertain significance. Last evaluated: 2022-08-15. Review status: criteria provided, single submitter. Criteria: Invitae Variant Classification Sherloc (09022015). Collection method: clinical testing. Allele origin: germline.
Comment: In summary, the available evidence is currently insufficient to determine the role of this variant in disease. Therefore, it has been classified as a Variant of Uncertain Significance. Algorithms developed to predict the effect of missense changes on protein structure and function are either unavailable or do not agree on the potential impact of this missense change (SIFT: "Not Available"; PolyPhen-2: "Benign"; Align-GVGD: "Not Available"). ClinVar contains an entry for this variant (Variation ID: 1490176). This variant has not been reported in the literature in individuals affected with TANGO2-related conditions. This variant is not present in population databases (gnomAD no frequency). This sequence change replaces arginine, which is basic and polar, with lysine, which is basic and polar, at codon 268 of the TANGO2 protein (p.Arg268Lys).

NM_152906.7(TANGO2):c.803G>A (p.Arg268Lys)

Gene: TANGO2 (transport and golgi organization 2 homolog; plus strand). Cytogenetic location: 22q11.21.
Variant type: single nucleotide variant.
Coding change: c.803G>A on transcript NM_152906.7 (MANE Select); coding-DNA position 803, G replaced by A.
Protein change: p.Arg268Lys; replaces arginine 268 with lysine.
Molecular consequence: missense variant. On other transcripts: 3 prime UTR variant (7), non-coding transcript variant (5).
Genome position (GRCh38, 1-based): chr22:20,064,634, G>A. VCF-style: chr22-20064634-G-A. GRCh37 (hg19) VCF-style: chr22-20052157-G-A.
Other names: c.803G>A, p.Arg268Lys (NM_001283106.3, NM_001283116.3); c.926G>A, p.Arg309Lys (NM_001283129.3, NM_001322143.2); c.*42G>A (NM_001283148.3, NM_001283154.3, NM_001322144.2 and 2 more transcripts); c.617G>A, p.Arg206Lys (NM_001283179.3, NM_001283186.3, NM_001322163.2 and 2 more transcripts); c.578G>A, p.Arg193Lys (NM_001283199.3); c.*70G>A (NM_001283215.3); c.509G>A, p.Arg170Lys (NM_001283235.3, NM_001322171.2, NM_001322172.2 and 3 more transcripts); c.*139G>A (NM_001283248.3); and 6 more; short protein forms R193K, R247K, R320K, R206K, R170K, R234K, R268K, R222K.
Identifiers: ClinVar variation 1490176 (VCV001490176.8), dbSNP rs2147865899, ClinGen allele CA410700674.